The following is an entry in ClinVar:

ClinVar aggregate classification (germline): Conflicting classifications of pathogenicity. Review status: criteria provided, conflicting classifications (1 of 4 stars). 2 submissions from 2 submitters: Uncertain significance (1); Likely benign (1). Last evaluated 2022-11-30.

Conditions:
Inborn genetic diseases. Identifiers: MedGen C0950123, MeSH D030342.
Osteogenesis imperfecta type 8 (OI8). Identifiers: MedGen C1970458, MONDO:0012581, OMIM 610915.

Allele frequency attached by ClinVar (database versions not stated): ExAC 0.00003; TOPMed 0.00007; ESP Exome Variant Server 0.00008; gnomAD 0.00010; 1000 Genomes Project 30x 0.00016; 1000 Genomes Project 0.00020.

Submissions (2):

Ambry Genetics
Classification: Likely benign for Inborn genetic diseases. Last evaluated: 2022-11-30. Review status: criteria provided, single submitter. Criteria: Ambry Variant Classification Scheme 2023. Collection method: clinical testing. Allele origin: germline.

Labcorp Genetics (formerly Invitae), Labcorp
Classification: Uncertain significance for Osteogenesis imperfecta type 8. Last evaluated: 2022-06-30. Review status: criteria provided, single submitter. Criteria: Invitae Variant Classification Sherloc (09022015). Collection method: clinical testing. Allele origin: germline.
Comment: This sequence change replaces glutamine, which is neutral and polar, with arginine, which is basic and polar, at codon 21 of the P3H1 protein (p.Gln21Arg). This variant is present in population databases (rs369450623, gnomAD 0.04%). This variant has not been reported in the literature in individuals affected with P3H1-related conditions. Algorithms developed to predict the effect of missense changes on protein structure and function output the following: SIFT: "Tolerated"; PolyPhen-2: "Not Available"; Align-GVGD: "Class C0". The arginine amino acid residue is found in multiple mammalian species, which suggests that this missense change does not adversely affect protein function. In summary, the available evidence is currently insufficient to determine the role of this variant in disease. Therefore, it has been classified as a Variant of Uncertain Significance.

NM_022356.4(P3H1):c.62A>G (p.Gln21Arg)

Gene: P3H1 (prolyl 3-hydroxylase 1; minus strand). Cytogenetic location: 1p34.2.
Variant type: single nucleotide variant.
Coding change: c.62A>G on transcript NM_022356.4 (MANE Select); coding-DNA position 62, A replaced by G.
Protein change: p.Gln21Arg; replaces glutamine 21 with arginine.
Molecular consequence: missense variant.
Genome position (GRCh38, 1-based): chr1:42,766,910, T>C on the plus strand (A>G on the coding strand, the complement: P3H1 is on the minus strand). VCF-style: chr1-42766910-T-C. GRCh37 (hg19) VCF-style: chr1-43232581-T-C.
Other names: c.62A>G, p.Gln21Arg (NM_001146289.2, NM_001243246.2); short protein forms Q21R.
Identifiers: ClinVar variation 2042484 (VCV002042484.2), dbSNP rs369450623, ClinGen allele CA802241.